The following is an entry in ClinVar:

ClinVar aggregate classification (germline): Uncertain significance. Review status: criteria provided, multiple submitters, no conflicts (2 of 4 stars). 2 submissions from 2 submitters: Uncertain significance (2). Last evaluated 2023-03-31.

Submissions (2):

Ambry Genetics
Classification: Uncertain significance. Last evaluated: 2023-03-31. Review status: criteria provided, single submitter. Criteria: Ambry Variant Classification Scheme 2023. Collection method: clinical testing. Allele origin: germline.
Comment: The p.A135T variant (also known as c.403G>A), located in coding exon 6 of the NPAT gene, results from a G to A substitution at nucleotide position 403. The alanine at codon 135 is replaced by threonine, an amino acid with similar properties. This amino acid position is conserved. In addition, this alteration is predicted to be tolerated by in silico analysis. Since supporting evidence is limited at this time, the clinical significance of this alteration remains unclear.

Labcorp Genetics (formerly Invitae), Labcorp
Classification: Uncertain significance. Last evaluated: 2023-03-02. Review status: criteria provided, single submitter. Criteria: Invitae Variant Classification Sherloc (09022015). Collection method: clinical testing. Allele origin: germline.
Comment: In summary, the available evidence is currently insufficient to determine the role of this variant in disease. Therefore, it has been classified as a Variant of Uncertain Significance. An algorithm developed to predict the effect of missense changes on protein structure and function (PolyPhen-2) suggests that this variant is likely to be tolerated. This variant has not been reported in the literature in individuals affected with NPAT-related conditions. This variant is not present in population databases (gnomAD no frequency). This sequence change replaces alanine, which is neutral and non-polar, with threonine, which is neutral and polar, at codon 135 of the NPAT protein (p.Ala135Thr).

NM_002519.3(NPAT):c.403G>A (p.Ala135Thr)

Gene: NPAT (nuclear protein, coactivator of histone transcription; minus strand). Cytogenetic location: 11q22.3.
Variant type: single nucleotide variant.
Coding change: c.403G>A on transcript NM_002519.3 (MANE Select); coding-DNA position 403, G replaced by A.
Protein change: p.Ala135Thr; replaces alanine 135 with threonine.
Molecular consequence: missense variant.
Genome position (GRCh38, 1-based): chr11:108,189,259, C>T on the plus strand (G>A on the coding strand, the complement: NPAT is on the minus strand). VCF-style: chr11-108189259-C-T. GRCh37 (hg19) VCF-style: chr11-108059986-C-T.
Other names: c.403G>A, p.Ala135Thr (NM_001321307.1); short protein forms A135T.
Identifiers: ClinVar variation 2567963 (VCV002567963.5), dbSNP rs1023365964, ClinGen allele CA228401373.